The following is an entry in ClinVar:

NM_031307.4(PUS3):c.941A>G (p.Tyr314Cys)

Genes: HYLS1 (HYLS1 centriolar and ciliogenesis associated; plus strand), PUS3 (pseudouridine synthase 3; minus strand). Cytogenetic location: 11q24.2.
Variant type: single nucleotide variant.
Coding change: c.941A>G on transcript NM_031307.4 (MANE Select); coding-DNA position 941, A replaced by G.
Protein change: p.Tyr314Cys; replaces tyrosine 314 with cysteine.
Molecular consequence: missense variant. On other transcripts: intron variant (5).
Genome position (GRCh38, 1-based): chr11:125,895,227, T>C on the plus strand (A>G on the coding strand, the complement: PUS3 is on the minus strand). VCF-style: chr11-125895227-T-C. GRCh37 (hg19) VCF-style: chr11-125765122-T-C.
Other names: c.317A>G, p.Tyr106Cys (NM_001271985.2); c.-81+3755T>C (NM_145014.3); c.-26+3755T>C (NM_001134793.2); c.-23+3755T>C (NM_001424364.1); c.-25-4117T>C (NM_001377269.1); c.-22-4120T>C (NM_001377270.1); short protein forms Y106C, Y314C.
Identifiers: ClinVar variation 1911476 (VCV001911476.5), dbSNP rs1397135850, ClinGen allele CA383197629.

ClinVar aggregate classification (germline): Uncertain significance (1 of 4 stars; one submission).

Allele frequency attached by ClinVar (database versions not stated): gnomAD exomes 0.00001; gnomAD 0.00002; TOPMed 0.00002.
gnomAD v4.1: 12 of 1,581,432 alleles (0.00076%); highest among the groups gnomAD compares: Non-Finnish European, 0.001%; no homozygotes.

Submission:

Labcorp Genetics (formerly Invitae), Labcorp
Classification: Uncertain significance. Last evaluated: 2022-01-03. Review status: criteria provided, single submitter. Criteria: Invitae Variant Classification Sherloc (09022015). Collection method: clinical testing. Allele origin: germline.
Comment: In summary, the available evidence is currently insufficient to determine the role of this variant in disease. Therefore, it has been classified as a Variant of Uncertain Significance. Algorithms developed to predict the effect of sequence changes on RNA splicing suggest that this variant may create or strengthen a splice site. Algorithms developed to predict the effect of missense changes on protein structure and function (SIFT, PolyPhen-2, Align-GVGD) all suggest that this variant is likely to be disruptive. This variant has not been reported in the literature in individuals affected with PUS3-related conditions. This variant is present in population databases (no rsID available, gnomAD 0.001%). This sequence change replaces tyrosine, which is neutral and polar, with cysteine, which is neutral and slightly polar, at codon 314 of the PUS3 protein (p.Tyr314Cys).